The following is an entry in ClinVar:

NM_000143.4(FH):c.1390+3A>G

Gene: FH (fumarate hydratase; minus strand). Cytogenetic location: 1q43.
Variant type: single nucleotide variant.
Coding change: c.1390+3A>G on transcript NM_000143.4 (MANE Select); 3 bases into the intron after coding-DNA position 1390, A replaced by G.
Molecular consequence: intron variant.
Genome position (GRCh38, 1-based): chr1:241,500,434, T>C on the plus strand (A>G on the coding strand, the complement: FH is on the minus strand). VCF-style: chr1-241500434-T-C. GRCh37 (hg19) VCF-style: chr1-241663734-T-C.
Identifiers: ClinVar variation 1771532 (VCV001771532.7), dbSNP rs2527312714, ClinGen allele CA2580063447.

ClinVar aggregate classification (germline): Uncertain significance. Review status: criteria provided, multiple submitters, no conflicts (2 of 4 stars). 2 submissions from 2 submitters: Uncertain significance (2). Last evaluated 2022-09-22.

Conditions:
Hereditary cancer-predisposing syndrome. Also called: Hereditary Cancer Syndrome; Hereditary neoplastic syndrome; Neoplastic Syndromes, Hereditary; Tumor predisposition. Identifiers: Orphanet 140162, MedGen C0027672, MeSH D009386, MONDO:0015356.

Submissions (2):

Labcorp Genetics (formerly Invitae), Labcorp
Classification: Uncertain significance. Last evaluated: 2022-09-22. Review status: criteria provided, single submitter. Criteria: Invitae Variant Classification Sherloc (09022015). Collection method: clinical testing. Allele origin: germline.
Comment: In summary, the available evidence is currently insufficient to determine the role of this variant in disease. Therefore, it has been classified as a Variant of Uncertain Significance. This variant is not present in population databases (gnomAD no frequency). This sequence change falls in intron 9 of the FH gene. It does not directly change the encoded amino acid sequence of the FH protein. It affects a nucleotide within the consensus splice site. Variants that disrupt the consensus splice site are a relatively common cause of aberrant splicing (PMID: 17576681, 9536098). Algorithms developed to predict the effect of sequence changes on RNA splicing suggest that this variant is not likely to affect RNA splicing. This variant has not been reported in the literature in individuals affected with FH-related conditions.

Ambry Genetics
Classification: Uncertain significance for Hereditary cancer-predisposing syndrome. Last evaluated: 2022-05-04. Review status: criteria provided, single submitter. Criteria: Ambry Variant Classification Scheme 2023. Collection method: clinical testing. Allele origin: germline.
Comment: The c.1390+3A>G intronic variant results from an A to G substitution 3 nucleotides after coding exon 9 in the FH gene. This nucleotide position is well conserved in available vertebrate species. In silico splice site analysis predicts that this alteration will not have any significant effect on splicing. Since supporting evidence is limited at this time, the clinical significance of this alteration remains unclear.

Literature cited by the submitters: PubMed 17576681 (cited by Labcorp Genetics (formerly Invitae), Labcorp); PubMed 9536098 (cited by Labcorp Genetics (formerly Invitae), Labcorp).